The following is an entry in ClinVar:

ClinVar aggregate classification (germline): Uncertain significance (1 of 4 stars; one submission).

Conditions:
Gorlin syndrome. Also called: Basal cell nevus syndrome; Nevoid Basal Cell Carcinoma Syndrome. Identifiers: Orphanet 377, MedGen C0004779, MONDO:0007187.

Submission:

Labcorp Genetics (formerly Invitae), Labcorp
Classification: Uncertain significance for Gorlin syndrome. Last evaluated: 2024-07-24. Review status: criteria provided, single submitter. Criteria: Invitae Variant Classification Sherloc (09022015). Collection method: clinical testing. Allele origin: germline.
Comment: This sequence change replaces glutamic acid, which is acidic and polar, with glycine, which is neutral and non-polar, at codon 1257 of the PTCH1 protein (p.Glu1257Gly). This variant is not present in population databases (gnomAD no frequency). This variant has not been reported in the literature in individuals affected with PTCH1-related conditions. Advanced modeling of protein sequence and biophysical properties (such as structural, functional, and spatial information, amino acid conservation, physicochemical variation, residue mobility, and thermodynamic stability) performed at Invitae indicates that this missense variant is not expected to disrupt PTCH1 protein function with a negative predictive value of 95%. In summary, the available evidence is currently insufficient to determine the role of this variant in disease. Therefore, it has been classified as a Variant of Uncertain Significance.

NM_000264.5(PTCH1):c.3770A>G (p.Glu1257Gly)

Gene: PTCH1 (patched 1; minus strand). Cytogenetic location: 9q22.32.
Variant type: single nucleotide variant.
Coding change: c.3770A>G on transcript NM_000264.5 (MANE Select); coding-DNA position 3770, A replaced by G.
Protein change: p.Glu1257Gly; replaces glutamic acid 1257 with glycine.
Molecular consequence: missense variant. On other transcripts: non-coding transcript variant (1).
Genome position (GRCh38, 1-based): chr9:95,449,103, T>C on the plus strand (A>G on the coding strand, the complement: PTCH1 is on the minus strand). VCF-style: chr9-95449103-T-C. GRCh37 (hg19) VCF-style: chr9-98211385-T-C.
Other names: c.3572A>G, p.Glu1191Gly (NM_001083602.3); c.3767A>G, p.Glu1256Gly (NM_001083603.3); c.3317A>G, p.Glu1106Gly (NM_001083604.3, NM_001083605.3, NM_001083606.3 and 1 more transcripts); c.3614A>G, p.Glu1205Gly (NM_001354918.2); short protein forms E1106G, E1191G, E1205G, E1256G, E1257G.
Identifiers: ClinVar variation 3676805 (VCV003676805.2).